The following is an entry in ClinVar:

NM_020821.3(VPS13C):c.5689C>G (p.Gln1897Glu)

Gene: VPS13C (vacuolar protein sorting 13 homolog C; minus strand). Cytogenetic location: 15q22.2.
Variant type: single nucleotide variant.
Coding change: c.5689C>G on transcript NM_020821.3 (MANE Select); coding-DNA position 5689, C replaced by G.
Protein change: p.Gln1897Glu; replaces glutamine 1897 with glutamic acid.
Molecular consequence: missense variant.
Genome position (GRCh38, 1-based): chr15:61,936,663, G>C on the plus strand (C>G on the coding strand, the complement: VPS13C is on the minus strand). VCF-style: chr15-61936663-G-C. GRCh37 (hg19) VCF-style: chr15-62228862-G-C.
Other names: c.5689C>G, p.Gln1897Glu (NM_001018088.3); c.5560C>G, p.Gln1854Glu (NM_017684.5, NM_018080.4); short protein forms Q1854E, Q1897E.
Identifiers: ClinVar variation 1978083 (VCV001978083.5), dbSNP rs1444698759, ClinGen allele CA392689546.

ClinVar aggregate classification (germline): Uncertain significance (1 of 4 stars; one submission).

Allele frequency attached by ClinVar (database versions not stated): TOPMed below 0.00001.

Submission:

Labcorp Genetics (formerly Invitae), Labcorp
Classification: Uncertain significance. Last evaluated: 2023-12-18. Review status: criteria provided, single submitter. Criteria: Invitae Variant Classification Sherloc (09022015). Collection method: clinical testing. Allele origin: germline.
Comment: This sequence change replaces glutamine, which is neutral and polar, with glutamic acid, which is acidic and polar, at codon 1897 of the VPS13C protein (p.Gln1897Glu). This variant is not present in population databases (gnomAD no frequency). This variant has not been reported in the literature in individuals affected with VPS13C-related conditions. ClinVar contains an entry for this variant (Variation ID: 1978083). Advanced modeling of protein sequence and biophysical properties (such as structural, functional, and spatial information, amino acid conservation, physicochemical variation, residue mobility, and thermodynamic stability) performed at Invitae indicates that this missense variant is not expected to disrupt VPS13C protein function with a negative predictive value of 80%. In summary, the available evidence is currently insufficient to determine the role of this variant in disease. Therefore, it has been classified as a Variant of Uncertain Significance.